The following is an entry in ClinVar:

ClinVar aggregate classification (germline): Likely pathogenic (1 of 4 stars; one submission).

Conditions:
Osteogenesis imperfecta type 8 (OI8). Identifiers: MedGen C1970458, MONDO:0012581, OMIM 610915.

Submission:

Labcorp Genetics (formerly Invitae), Labcorp
Classification: Likely pathogenic for Osteogenesis imperfecta type 8. Last evaluated: 2021-10-21. Review status: criteria provided, single submitter. Criteria: Invitae Variant Classification Sherloc (09022015). Collection method: clinical testing. Allele origin: germline.
Comment: This sequence change results in a frameshift in the P3H1 gene (p.Pro732Argfs*17). While this is not anticipated to result in nonsense mediated decay, it is expected to disrupt the last 5 amino acid(s) of the P3H1 protein and extend the protein by 11 additional amino acid residues. This variant is not present in population databases (gnomAD no frequency). This variant has not been reported in the literature in individuals affected with P3H1-related conditions. This variant disrupts the KDEL domain (p.Lys733-p.Leu736) of the P3H1 protein that is required for the cellular retention and activity of certain types of proteins (PMID: 3545499). In summary, the currently available evidence indicates that the variant is pathogenic, but additional data are needed to prove that conclusively. Therefore, this variant has been classified as Likely Pathogenic.

Literature cited by the submitters: PubMed 3545499.

NM_022356.4(P3H1):c.2193_2194dup (p.Pro732fs)

Gene: P3H1 (prolyl 3-hydroxylase 1; minus strand). Cytogenetic location: 1p34.2.
Variant type: Duplication.
Coding change: c.2193_2194dup on transcript NM_022356.4 (MANE Select); coding-DNA positions 2193 to 2194, 2 bases duplicated (GC; older notation c.2193_2194dupGC).
Protein change: p.Pro732fs; shifts the reading frame from proline 732.
Molecular consequence: frameshift variant. On other transcripts: 3 prime UTR variant (2).
Genome position (GRCh38, 1-based): chr1:42,746,714-42,746,715, GC duplicated on the plus strand (GC on the coding strand, the reverse complement: P3H1 is on the minus strand). VCF-style (leftmost placement, unchanged base first): chr1-42746713-G-GGC. GRCh37 (hg19) VCF-style: chr1-43212384-G-GGC.
Other names: c.*118_*119dup (NM_001146289.2); c.*197_*198dup (NM_001243246.2); short protein forms P732fs.
Identifiers: ClinVar variation 1514343 (VCV001514343.6), dbSNP rs2124071974, ClinGen allele CA2573132268.
Genomic context (GRCh38, chr1:42,746,713, plus strand): 5'-CCTCTCCATGGGTCTAGTCACCCATCCGTCTGACCTGGACGCTGTCATAGCTCATCCTTG[G>GGC]GCTTCGATTCACTGCCTGAGAGAGACTCTTGTGCAGGTTCGGGGGGGCCCTGCTGGGCAT-3'